The following is an entry in ClinVar:

ClinVar aggregate classification (germline): Conflicting classifications of pathogenicity. Review status: criteria provided, conflicting classifications (1 of 4 stars). 2 submissions from 2 submitters: Uncertain significance (1); Likely benign (1). Last evaluated 2022-11-15.

Conditions:
Congenital contractural arachnodactyly (CCA). Also called: BEALS SYNDROME; Beals-Hecht syndrome; Arthrogryposis, distal, type 9. Identifiers: Orphanet 115, MedGen C0220668, MONDO:0007363, OMIM 121050.

Allele frequency attached by ClinVar (database versions not stated): ExAC 0.00001; gnomAD exomes 0.00001; TOPMed 0.00001; gnomAD 0.00002.
gnomAD v4.1: 16 of 1,614,006 alleles (0.00099%); highest among the groups gnomAD compares: Admixed American, 0.0017%; no homozygotes.

Submissions (2):

Labcorp Genetics (formerly Invitae), Labcorp
Classification: Likely benign for Congenital contractural arachnodactyly. Last evaluated: 2022-11-15. Review status: criteria provided, single submitter. Criteria: Invitae Variant Classification Sherloc (09022015). Collection method: clinical testing. Allele origin: germline.

ARUP Laboratories, Molecular Genetics and Genomics, ARUP Laboratories
Classification: Uncertain significance. Last evaluated: 2018-06-04. Review status: criteria provided, single submitter. Criteria: ARUP Molecular Germline Variant Investigation Process. Collection method: clinical testing. Allele origin: germline.
Comment: The FBN2 c.7247G>A; p.Arg2416Gln variant (rs755437836), to our knowledge, is not reported in the medical literature or gene-specific databases, but is observed in the general population at a low overall frequency of 0.001% (3/276858 alleles) in the Genome Aggregation Database. The arginine at codon 2416 is moderately conserved, but computational algorithms (PolyPhen-2: damaging, SIFT: tolerated) are inconclusive on the effects of this variant on protein structure and/or function. Due to limited information regarding this variant, its clinical significance cannot be determined with certainty.

NM_001999.4(FBN2):c.7247G>A (p.Arg2416Gln)

Gene: FBN2 (fibrillin 2; minus strand). Cytogenetic location: 5q23.3.
Variant type: single nucleotide variant.
Coding change: c.7247G>A on transcript NM_001999.4 (MANE Select); coding-DNA position 7247, G replaced by A.
Protein change: p.Arg2416Gln; replaces arginine 2416 with glutamine.
Molecular consequence: missense variant.
Genome position (GRCh38, 1-based): chr5:128,278,733, C>T on the plus strand (G>A on the coding strand, the complement: FBN2 is on the minus strand). VCF-style: chr5-128278733-C-T. GRCh37 (hg19) VCF-style: chr5-127614425-C-T.
Other names: short protein forms R2416Q.
Identifiers: ClinVar variation 618128 (VCV000618128.18), dbSNP rs755437836, ClinGen allele CA3394174.